The following is an entry in ClinVar:

NM_025000.4(DCAF17):c.554_555del (p.His185fs)

Gene: DCAF17 (DDB1 and CUL4 associated factor 17; plus strand). Cytogenetic location: 2q31.1.
Variant type: Deletion.
Coding change: c.554_555del on transcript NM_025000.4 (MANE Select); coding-DNA positions 554 to 555, 2 bases deleted (AT; older notation c.554_555delAT).
Protein change: p.His185fs; shifts the reading frame from histidine 185.
Molecular consequence: frameshift variant. On other transcripts: non-coding transcript variant (1).
Genome position (GRCh38, 1-based): chr2:171,453,140-171,453,141, AT deleted. VCF-style (leftmost placement, unchanged base first): chr2-171453139-CAT-C. GRCh37 (hg19) VCF-style: chr2-172309649-CAT-C.
Other names: c.554_555del, p.His185fs (NM_001164821.2); short protein forms H185fs.
Identifiers: ClinVar variation 2821852 (VCV002821852.3), dbSNP rs2529700532, ClinGen allele CA2739271633.

ClinVar aggregate classification (germline): Pathogenic (1 of 4 stars; one submission).

Conditions:
Woodhouse-Sakati syndrome. Also called: Hypogonadism, Alopecia, Diabetes Mellitus, Mental Retardation, and Extrapyramidal Syndrome; Hypogonadism, diabetes mellitus, alopecia, mental retardation and electrocardiographic abnormalities; EXTRAPYRAMIDAL DISORDER, PROGRESSIVE, WITH PRIMARY HYPOGONADISM, MENTAL RETARDATION, AND ALOPECIA. Identifiers: Orphanet 3464, MedGen C0342286, MONDO:0009419, OMIM 241080.

Submission:

Labcorp Genetics (formerly Invitae), Labcorp
Classification: Pathogenic for Woodhouse-Sakati syndrome. Last evaluated: 2022-12-23. Review status: criteria provided, single submitter. Criteria: Invitae Variant Classification Sherloc (09022015). Collection method: clinical testing. Allele origin: germline.
Comment: For these reasons, this variant has been classified as Pathogenic. This variant has not been reported in the literature in individuals affected with DCAF17-related conditions. This variant is not present in population databases (gnomAD no frequency). This sequence change creates a premature translational stop signal (p.His185Argfs*52) in the DCAF17 gene. It is expected to result in an absent or disrupted protein product. Loss-of-function variants in DCAF17 are known to be pathogenic (PMID: 19026396, 20507343).

Literature cited by the submitters: PubMed 19026396; PubMed 20507343.